The following is an entry in ClinVar:

NM_003492.3(TMEM187):c.505G>A (p.Ala169Thr)

Gene: TMEM187 (transmembrane protein 187; plus strand). Cytogenetic location: Xq28.
Variant type: single nucleotide variant.
Coding change: c.505G>A on transcript NM_003492.3 (MANE Select); coding-DNA position 505, G replaced by A.
Protein change: p.Ala169Thr; replaces alanine 169 with threonine.
Molecular consequence: missense variant.
Genome position (GRCh38, 1-based): chrX:153,982,567, G>A. VCF-style: chrX-153982567-G-A. GRCh37 (hg19) VCF-style: chrX-153248018-G-A.
Other names: short protein forms A169T.
Identifiers: ClinVar variation 3067606 (VCV003067606.21), dbSNP rs2521878657, ClinGen allele CA415163860.
Genomic context (GRCh38, chrX:153,982,567, plus strand): 5'-TCCCTGGCCAGTTATGGCCTCGCTCTGCTGCATCCCCAGGGCTTCGAGGTCGCACTGGGT[G>A]CTCACGTGGTGGCCGCTGTGGGGCAGGCGCTGCGCACCCACAGGCACTATGGCAGCACCA-3'
Protein context (NP_003483.1, residues 159-179): HPQGFEVALG[Ala169Thr]HVVAAVGQAL

ClinVar aggregate classification (germline): Uncertain significance (1 of 4 stars; one submission).

Submission:

CeGaT Center for Human Genetics Tuebingen
Classification: Uncertain significance. Last evaluated: 2024-03-01. Review status: criteria provided, single submitter. Criteria: CeGaT Center For Human Genetics Tuebingen Variant Classification Criteria Version 2. Collection method: clinical testing. Allele origin: germline. Affected: yes. Observed: 1 variant allele.
Comment: TMEM187: PM2, BP4